The following is an entry in ClinVar:

NM_001042492.3(NF1):c.7915C>A (p.Leu2639Ile)

Gene: NF1 (neurofibromin 1; plus strand). Cytogenetic location: 17q11.2.
Variant type: single nucleotide variant.
Coding change: c.7915C>A on transcript NM_001042492.3 (MANE Select); coding-DNA position 7915, C replaced by A.
Protein change: p.Leu2639Ile; replaces leucine 2639 with isoleucine.
Molecular consequence: missense variant.
Genome position (GRCh38, 1-based): chr17:31,357,314, C>A. VCF-style: chr17-31357314-C-A. GRCh37 (hg19) VCF-style: chr17-29684332-C-A.
Other names: c.7852C>A, p.Leu2618Ile (NM_000267.4); short protein forms L2618I, L2639I.
Identifiers: ClinVar variation 1395298 (VCV001395298.11), dbSNP rs1057518362, ClinGen allele CA399203449.

ClinVar aggregate classification (germline): Uncertain significance. Review status: criteria provided, multiple submitters, no conflicts (2 of 4 stars). 3 submissions from 3 submitters: Uncertain significance (3). Last evaluated 2025-11-14.

Conditions:
Cardiovascular phenotype. Identifiers: MedGen CN230736.
Hereditary cancer-predisposing syndrome. Also called: Hereditary neoplastic syndrome; Neoplastic Syndromes, Hereditary; Hereditary Cancer Syndrome; Tumor predisposition. Identifiers: Orphanet 140162, MedGen C0027672, MeSH D009386, MONDO:0015356.
Neurofibromatosis, type 1 (NF1). Also called: VON RECKLINGHAUSEN DISEASE; Neurofibromatosis, type I; NEUROFIBROMATOSIS, TYPE I, SOMATIC; Peripheral type neurofibromatosis. Identifiers: Orphanet 636, MedGen C0027831, MONDO:0018975, OMIM 162200. Disease mechanism: loss of function.
Neurofibromatosis, familial spinal (FSNF). Identifiers: Orphanet 636, MedGen C1834235, MONDO:0008078, OMIM 162210. Disease mechanism: loss of function.
Juvenile myelomonocytic leukemia (JMML). Also called: LEUKEMIA, JUVENILE MYELOMONOCYTIC, SOMATIC. Identifiers: Orphanet 86834, MedGen C0349639, MONDO:0011908, OMIM 607785, HP:0012209.
Neurofibromatosis-Noonan syndrome (NFNS). Also called: NEUROFIBROMATOSIS WITH NOONAN PHENOTYPE. Identifiers: Orphanet 638, MedGen C2931482, MONDO:0011035, OMIM 601321. Disease mechanism: loss of function.
Café-au-lait macules with pulmonary stenosis (WTSN). Also called: PULMONIC STENOSIS WITH CAFE-AU-LAIT SPOTS. Identifiers: MedGen C0553586, MONDO:0008672, OMIM 193520.

gnomAD v4.1: 1 of 1,614,024 alleles (0.000062%); highest among the groups gnomAD compares: African/African-American, 0.0013%; no homozygotes.

Submissions (3):

Ambry Genetics
Classification: Uncertain significance for Cardiovascular phenotype; Hereditary cancer-predisposing syndrome. Last evaluated: 2025-11-14. Review status: criteria provided, single submitter. Criteria: Ambry Variant Classification Scheme 2023. Collection method: clinical testing. Allele origin: germline.
Comment: The p.L2618I variant (also known as c.7852C>A), located in coding exon 53 of the NF1 gene, results from a C to A substitution at nucleotide position 7852. The leucine at codon 2618 is replaced by isoleucine, an amino acid with highly similar properties. This amino acid position is conserved. In addition, the in silico prediction for this alteration is inconclusive. Based on the available evidence, the clinical significance of this variant remains unclear.

Fulgent Genetics
Classification: Uncertain significance for Neurofibromatosis, type 1; Neurofibromatosis, familial spinal; Café-au-lait macules with pulmonary stenosis; Neurofibromatosis-Noonan syndrome; Juvenile myelomonocytic leukemia. Last evaluated: 2024-05-16. Review status: criteria provided, single submitter. Criteria: ACMG Guidelines, 2015. Collection method: clinical testing. Allele origin: germline.

Labcorp Genetics (formerly Invitae), Labcorp
Classification: Uncertain significance for Neurofibromatosis, type 1. Last evaluated: 2022-10-27. Review status: criteria provided, single submitter. Criteria: Invitae Variant Classification Sherloc (09022015). Collection method: clinical testing. Allele origin: germline.
Comment: This variant is not present in population databases (gnomAD no frequency). This variant has not been reported in the literature in individuals affected with NF1-related conditions. ClinVar contains an entry for this variant (Variation ID: 1395298). Advanced modeling of protein sequence and biophysical properties (such as structural, functional, and spatial information, amino acid conservation, physicochemical variation, residue mobility, and thermodynamic stability) performed at Invitae indicates that this missense variant is expected to disrupt NF1 protein function. In summary, the available evidence is currently insufficient to determine the role of this variant in disease. Therefore, it has been classified as a Variant of Uncertain Significance. This sequence change replaces leucine, which is neutral and non-polar, with isoleucine, which is neutral and non-polar, at codon 2618 of the NF1 protein (p.Leu2618Ile).